The following is an entry in ClinVar:

ClinVar aggregate classification (germline): Pathogenic (1 of 4 stars; one submission).

Conditions:
Developmental and epileptic encephalopathy, 1 (DEE1). Also called: X-linked infantile spasms; West's syndrome; Tonic spasms with clustering, arrest of psychomotor development and hypsarrhythmia on EEG; X-Linked Infantile Spasm Syndrome; OHTAHARA SYNDROME, X-LINKED; INFANTILE SPASM SYNDROME, X-LINKED 1. Identifiers: MedGen C3463992, MONDO:0010632, OMIM 308350. Disease mechanism: loss of function.
Autosomal dominant nonsyndromic hearing loss 65. Also called: TBC1D24-Related Autosomal Dominant Nonsyndromic Hearing Loss (DFNA); Deafness, autosomal dominant 65. Identifiers: Orphanet 90635, MedGen C3892048, MONDO:0014470, OMIM 616044.

Submission:

Labcorp Genetics (formerly Invitae), Labcorp
Classification: Pathogenic for Developmental and epileptic encephalopathy, 1; Autosomal dominant nonsyndromic hearing loss 65. Last evaluated: 2022-06-13. Review status: criteria provided, single submitter. Criteria: Invitae Variant Classification Sherloc (09022015). Collection method: clinical testing. Allele origin: germline.
Comment: For these reasons, this variant has been classified as Pathogenic. This variant disrupts a region of the TBC1D24 protein in which other variant(s) (p.Ala515Val) have been determined to be pathogenic (PMID: 20727515, 27281533, 31112829; Invitae). This suggests that this is a clinically significant region of the protein, and that variants that disrupt it are likely to be disease-causing. This variant has not been reported in the literature in individuals affected with TBC1D24-related conditions. This variant is not present in population databases (gnomAD no frequency). This sequence change creates a premature translational stop signal (p.Pro466Hisfs*57) in the TBC1D24 gene. While this is not anticipated to result in nonsense mediated decay, it is expected to disrupt the last 94 amino acid(s) of the TBC1D24 protein.

Literature cited by the submitters: PubMed 20727515; PubMed 27281533; PubMed 31112829.

NM_001199107.2(TBC1D24):c.1397del (p.Pro466fs)

Gene: TBC1D24 (TBC1 domain family member 24; plus strand). Cytogenetic location: 16p13.3.
Variant type: Deletion.
Coding change: c.1397del on transcript NM_001199107.2 (MANE Select); coding-DNA position 1397, one base deleted (C; older notation c.1397delC).
Protein change: p.Pro466fs; shifts the reading frame from proline 466.
Molecular consequence: frameshift variant.
Genome position (GRCh38, 1-based): chr16:2,500,362, C deleted; the last of 4 consecutive C bases (chr16:2,500,359-2,500,362); deleting any one gives the same sequence. VCF-style (leftmost placement, unchanged base first): chr16-2500358-GC-G. GRCh37 (hg19) VCF-style: chr16-2550359-GC-G.
Other names: c.1379del, p.Pro460fs (NM_020705.3); short protein forms P466fs, P460fs.
Identifiers: ClinVar variation 1357131 (VCV001357131.6), dbSNP rs2141877166, ClinGen allele CA2573152009.